The following is an entry in ClinVar:

ClinVar aggregate classification (germline): Uncertain significance (1 of 4 stars; one submission).

Submission:

Labcorp Genetics (formerly Invitae), Labcorp
Classification: Uncertain significance. Last evaluated: 2022-03-19. Review status: criteria provided, single submitter. Criteria: Invitae Variant Classification Sherloc (09022015). Collection method: clinical testing. Allele origin: germline.
Comment: This sequence change replaces arginine, which is basic and polar, with serine, which is neutral and polar, at codon 695 of the SLC7A14 protein (p.Arg695Ser). This variant is not present in population databases (gnomAD no frequency). This variant has not been reported in the literature in individuals affected with SLC7A14-related conditions. ClinVar contains an entry for this variant (Variation ID: 1018238). Algorithms developed to predict the effect of missense changes on protein structure and function output the following: SIFT: "Tolerated"; PolyPhen-2: "Benign"; Align-GVGD: "Class C0". The serine amino acid residue is found in multiple mammalian species, which suggests that this missense change does not adversely affect protein function. In summary, the available evidence is currently insufficient to determine the role of this variant in disease. Therefore, it has been classified as a Variant of Uncertain Significance.

NM_020949.3(SLC7A14):c.2083C>A (p.Arg695Ser)

Genes: SLC7A14 (solute carrier family 7 member 14; minus strand), SLC7A14-AS1 (SLC7A14 antisense RNA 1; plus strand). Cytogenetic location: 3q26.2.
Variant type: single nucleotide variant.
Coding change: c.2083C>A on transcript NM_020949.3 (MANE Select); coding-DNA position 2083, C replaced by A.
Protein change: p.Arg695Ser; replaces arginine 695 with serine.
Molecular consequence: missense variant. On other transcripts: non-coding transcript variant (3).
Genome position (GRCh38, 1-based): chr3:170,467,288, G>T on the plus strand (C>A on the coding strand, the complement: SLC7A14 is on the minus strand). VCF-style: chr3-170467288-G-T. GRCh37 (hg19) VCF-style: chr3-170185076-G-T.
Other names: short protein forms R695S.
Identifiers: ClinVar variation 1018238 (VCV001018238.8), dbSNP rs181011740, ClinGen allele CA355484314.
Genomic context (GRCh38, chr3:170,467,288, plus strand): 5'-CGCCCTCTGTGGCGTAGGAGAAACCCTCCTCCACTGAGAAGGGGTCATCCACGTCGTAGC[G>T]TTGGTACGTGCTTTGGTGCAGGGCCTCTTCTCGAGCGCTGATTTCCAGGGTGCTGTTCCA-3'
Protein context (NP_066000.2, residues 685-705): EEALHQSTYQ[Arg695Ser]YDVDDPFSVE